The following is an entry in ClinVar:

NM_001458.5(FLNC):c.1647del (p.Thr550fs)

Gene: FLNC (filamin C; plus strand). Cytogenetic location: 7q32.1.
Variant type: Deletion.
Coding change: c.1647del on transcript NM_001458.5 (MANE Select); coding-DNA position 1647, one base deleted (C; older notation c.1647delC).
Protein change: p.Thr550fs; shifts the reading frame from threonine 550.
Molecular consequence: frameshift variant.
Genome position (GRCh38, 1-based): chr7:128,840,645, C deleted. VCF-style (leftmost placement, unchanged base first): chr7-128840644-TC-T. GRCh37 (hg19) VCF-style: chr7-128480698-TC-T.
Other names: c.1647del, p.Thr550fs (NM_001127487.2); short protein forms T550fs.
Identifiers: ClinVar variation 3760035 (VCV003760035.2).

ClinVar aggregate classification (germline): Pathogenic (1 of 4 stars; one submission).

Conditions:
Distal myopathy with posterior leg and anterior hand involvement. Also called: WILLIAMS DISTAL MYOPATHY. Identifiers: Orphanet 63273, MedGen C3279722, MONDO:0013550, OMIM 614065.
Hypertrophic cardiomyopathy 26. Also called: Cardiomyopathy, familial hypertrophic, 26. Identifiers: Orphanet 75249, MedGen C4310749, MONDO:0014883, OMIM 617047.
Myofibrillar myopathy 5. Also called: Filaminopathy (type); FILAMINOPATHY, AUTOSOMAL DOMINANT. Identifiers: Orphanet 171445, MedGen C1836050, MONDO:0012289, OMIM 609524.

Submission:

Labcorp Genetics (formerly Invitae), Labcorp
Classification: Pathogenic for Distal myopathy with posterior leg and anterior hand involvement; Myofibrillar myopathy 5; Hypertrophic cardiomyopathy 26. Last evaluated: 2025-01-22. Review status: criteria provided, single submitter. Criteria: Invitae Variant Classification Sherloc (09022015). Collection method: clinical testing. Allele origin: germline.
Comment: This sequence change creates a premature translational stop signal (p.Thr550Argfs*16) in the FLNC gene. It is expected to result in an absent or disrupted protein product. Loss-of-function variants in FLNC are known to be pathogenic (PMID: 27908349). This variant is not present in population databases (gnomAD no frequency). This variant has not been reported in the literature in individuals affected with FLNC-related conditions. For these reasons, this variant has been classified as Pathogenic.

Literature cited by the submitters: PubMed 27908349.